The following is an entry in ClinVar:

NM_021922.3(FANCE):c.-56C>T

Genes: FANCE (FA complementation group E; plus strand), LOC129996245 (ATAC-STARR-seq lymphoblastoid silent region 17092; plus strand). Cytogenetic location: 6p21.31.
Variant type: single nucleotide variant.
Coding change: c.-56C>T on transcript NM_021922.3 (MANE Select); 56 bases upstream of the start codon, C replaced by T.
Molecular consequence: 5 prime UTR variant.
Genome position (GRCh38, 1-based): chr6:35,452,490, C>T. VCF-style: chr6-35452490-C-T. GRCh37 (hg19) VCF-style: chr6-35420267-C-T.
Identifiers: ClinVar variation 356439 (VCV000356439.6), dbSNP rs4713866, ClinGen allele CA10626506.

ClinVar aggregate classification (germline): Benign/Likely benign. Review status: criteria provided, multiple submitters, no conflicts (2 of 4 stars). 2 submissions from 2 submitters: Benign (1); Likely benign (1). Last evaluated 2023-07-07.

Conditions:
Fanconi anemia complementation group E (FANCE). Also called: FANCE-Related Fanconi Anemia. Identifiers: Orphanet 84, MedGen C3160739, MONDO:0010953, OMIM 600901.

Allele frequency attached by ClinVar (database versions not stated): gnomAD exomes 0.00906; gnomAD 0.01055 and 0.01170; TOPMed 0.01429; 1000 Genomes Project 0.02935; 1000 Genomes Project 30x 0.02998.

Submissions (2):

KCCC/NGS Laboratory, Kuwait Cancer Control Center
Classification: Likely benign for Fanconi anemia complementation group E. Last evaluated: 2023-07-07. Review status: criteria provided, single submitter. Criteria: ACMG Guidelines, 2015. Collection method: clinical testing. Allele origin: germline. Affected: yes.

Illumina Laboratory Services, Illumina
Classification: Benign for Fanconi anemia complementation group E. Last evaluated: 2018-01-13. Review status: criteria provided, single submitter. Criteria: ICSL Variant Classification Criteria 13 December 2019. Collection method: clinical testing. Allele origin: germline.
Comment: This variant was observed in the ICSL laboratory as part of a predisposition screen in an ostensibly healthy population. It had not been previously curated by ICSL or reported in the Human Gene Mutation Database (HGMD: prior to June 1st, 2018), and was therefore a candidate for classification through an automated scoring system. Utilizing variant allele frequency, disease prevalence and penetrance estimates, and inheritance mode, an automated score was calculated to assess if this variant is too frequent to cause the disease. Based on the score and internal cut-off values, a variant classified as benign is not then subjected to further curation. The score for this variant resulted in a classification of benign for this disease.